The following is an entry in ClinVar:

ClinVar aggregate classification (germline): Conflicting classifications of pathogenicity. Review status: criteria provided, conflicting classifications (1 of 4 stars). 3 submissions from 3 submitters: Uncertain significance (1); Likely benign (2). Last evaluated 2026-02-11.

Conditions:
Tuberous sclerosis 2 (TSC2). Identifiers: Orphanet 805, MedGen C1860707, MONDO:0013199, OMIM 613254.
Hereditary cancer-predisposing syndrome. Also called: Neoplastic Syndromes, Hereditary; Hereditary Cancer Syndrome; Tumor predisposition; Hereditary neoplastic syndrome. Identifiers: Orphanet 140162, MedGen C0027672, MeSH D009386, MONDO:0015356.
TSC2-related disorder. Also called: TSC2-Related Disorders; TSC2-related condition.

gnomAD v4.1: 1 of 1,609,698 alleles (0.000062%); highest among the groups gnomAD compares: East Asian, 0.0022%; no homozygotes.

Submissions (3):

Ambry Genetics
Classification: Uncertain significance for Hereditary cancer-predisposing syndrome. Last evaluated: 2026-02-11. Review status: criteria provided, single submitter. Criteria: Ambry Variant Classification Scheme 2023. Collection method: clinical testing. Allele origin: germline.
Comment: The c.4850-5C>T intronic variant results from a C to T substitution 5 nucleotides upstream from coding exon 37 in the TSC2 gene. This nucleotide position is poorly conserved in available vertebrate species. In silico splice site analysis predicts that this alteration will not have any significant effect on splicing. Based on the available evidence, the clinical significance of this variant remains unclear.

PreventionGenetics, part of Exact Sciences
Classification: Likely benign for TSC2-related condition. Last evaluated: 2024-12-31. Review status: criteria provided, single submitter. Criteria: ACMG Guidelines, 2015. Collection method: clinical testing. Allele origin: germline.
Comment: This variant is classified as likely benign based on ACMG/AMP sequence variant interpretation guidelines (Richards et al. 2015 PMID: 25741868, with internal and published modifications).

Labcorp Genetics (formerly Invitae), Labcorp
Classification: Likely benign for Tuberous sclerosis 2. Last evaluated: 2024-08-13. Review status: criteria provided, single submitter. Criteria: Invitae Variant Classification Sherloc (09022015). Collection method: clinical testing. Allele origin: germline.

NM_000548.5(TSC2):c.4850-5C>T

Gene: TSC2 (TSC complex subunit 2; plus strand). Cytogenetic location: 16p13.3.
Variant type: single nucleotide variant.
Coding change: c.4850-5C>T on transcript NM_000548.5 (MANE Select); 5 bases into the intron before coding-DNA position 4850, C replaced by T.
Molecular consequence: intron variant.
Genome position (GRCh38, 1-based): chr16:2,086,727, C>T. VCF-style: chr16-2086727-C-T. GRCh37 (hg19) VCF-style: chr16-2136728-C-T.
Other names: c.4850-5C>T (NM_000548.4); c.4781-5C>T (NM_001114382.3); c.4721-5C>T (NM_021055.3, NM_001370405.1); c.4652-5C>T (NM_001363528.2); c.4718-5C>T (NM_001370404.1); c.4649-5C>T (NM_001077183.3); c.4541-5C>T (NM_001318827.2); c.4118-5C>T (NM_001318831.2); and 2 more.
Identifiers: ClinVar variation 825230 (VCV000825230.8), dbSNP rs1596442866, ClinGen allele CA915946315.
Genomic context (GRCh38, chr16:2,086,727, plus strand): 5'-CAGTGCAAGGCACAGAGGGCCTCAGCACTGGCCCCACAAACCCATCCGGCCCTGCTCACC[C>T]TCAGCCGTCTTCCACATCGCCACCCTGATGCCCACCAAGGACGTGGACAAGCACCGCTGC-3'